The following is an entry in ClinVar:

ClinVar aggregate classification (germline): Benign/Likely benign. Review status: criteria provided, multiple submitters, no conflicts (2 of 4 stars). 4 submissions from 4 submitters: Benign (2); Likely benign (2). Last evaluated 2025-06-04.

Conditions:
Hereditary cancer-predisposing syndrome. Also called: Neoplastic Syndromes, Hereditary; Hereditary Cancer Syndrome; Hereditary neoplastic syndrome; Tumor predisposition. Identifiers: Orphanet 140162, MedGen C0027672, MeSH D009386, MONDO:0015356.
Tuberous sclerosis 2 (TSC2). Identifiers: Orphanet 805, MedGen C1860707, MONDO:0013199, OMIM 613254.

gnomAD v4.1: 1 of 1,612,772 alleles (0.000062%); highest among the groups gnomAD compares: Admixed American, 0.0017%; no homozygotes.

Submissions (4):

Myriad Genetics, Inc.
Classification: Benign for Tuberous sclerosis 2. Last evaluated: 2025-06-04. Review status: criteria provided, single submitter. Criteria: Myriad Autosomal Dominant, Autosomal Recessive and X-Linked Classification Criteria (2023). Collection method: clinical testing. Allele origin: unknown.
Comment: This variant is considered benign. This variant is a silent/synonymous amino acid change and it is not expected to impact splicing.

Labcorp Genetics (formerly Invitae), Labcorp
Classification: Likely benign for Tuberous sclerosis 2. Last evaluated: 2025-03-02. Review status: criteria provided, single submitter. Criteria: Invitae Variant Classification Sherloc (09022015). Collection method: clinical testing. Allele origin: germline.

Genome-Nilou Lab
Classification: Benign for Tuberous sclerosis 2. Last evaluated: 2021-11-07. Review status: criteria provided, single submitter. Criteria: ACMG Guidelines, 2015. Collection method: clinical testing. Allele origin: germline. Affected: no.

Ambry Genetics
Classification: Likely benign for Hereditary cancer-predisposing syndrome. Last evaluated: 2018-12-27. Review status: criteria provided, single submitter. Criteria: Ambry Variant Classification Scheme 2023. Collection method: clinical testing. Allele origin: germline.

NM_000548.5(TSC2):c.4605C>T (p.Asp1535=)

Gene: TSC2 (TSC complex subunit 2; plus strand). Cytogenetic location: 16p13.3.
Variant type: single nucleotide variant.
Coding change: c.4605C>T on transcript NM_000548.5 (MANE Select); coding-DNA position 4605, C replaced by T.
Protein change: p.Asp1535=; no amino-acid change (aspartic acid 1535 retained).
Molecular consequence: synonymous variant.
Genome position (GRCh38, 1-based): chr16:2,085,265, C>T. VCF-style: chr16-2085265-C-T. GRCh37 (hg19) VCF-style: chr16-2135266-C-T.
Other names: c.4404C>T, p.Asp1468= (NM_001077183.3); c.4536C>T, p.Asp1512= (NM_001114382.3); c.4296C>T, p.Asp1432= (NM_001318827.2); c.4260C>T, p.Asp1420= (NM_001318829.2); c.3873C>T, p.Asp1291= (NM_001318831.2); c.4437C>T, p.Asp1479= (NM_001318832.2); c.4407C>T, p.Asp1469= (NM_001363528.2); c.4473C>T, p.Asp1491= (NM_001370404.1); and 1 more.
Identifiers: ClinVar variation 825038 (VCV000825038.16), dbSNP rs1555515283, ClinGen allele CA492958111.